The following is an entry in ClinVar:

NM_001710.6(CFB):c.1717del (p.Tyr573fs)

Gene: CFB (complement factor B; plus strand). Cytogenetic location: 6p21.33.
Variant type: Deletion.
Coding change: c.1717del on transcript NM_001710.6 (MANE Select); coding-DNA position 1717, one base deleted (T; older notation c.1717delT).
Protein change: p.Tyr573fs; shifts the reading frame from tyrosine 573.
Molecular consequence: frameshift variant.
Genome position (GRCh38, 1-based): chr6:31,950,711, T deleted; the last of 4 consecutive T bases (chr6:31,950,708-31,950,711); deleting any one gives the same sequence. VCF-style (leftmost placement, unchanged base first): chr6-31950707-AT-A. GRCh37 (hg19) VCF-style: chr6-31918484-AT-A.
Other names: short protein forms Y573fs.
Identifiers: ClinVar variation 1524497 (VCV001524497.6), dbSNP rs1304405440, ClinGen allele CA823922876.
Genomic context (GRCh38, chr6:31,950,707, plus strand): 5'-AGTAGTCCTATTTCACCCCAACTACAACATTAATGGGAAAAAAGAAGCAGGAATTCCTGA[AT>A]TTTATGACTATGACGTTGCCCTGATCAAGCTCAAGAATAAGCTGAAATATGGCCAGACTA-3'

ClinVar aggregate classification (germline): Uncertain significance (1 of 4 stars; one submission).

Submission:

Labcorp Genetics (formerly Invitae), Labcorp
Classification: Uncertain significance. Last evaluated: 2025-09-24. Review status: criteria provided, single submitter. Criteria: Invitae Variant Classification Sherloc (09022015). Collection method: clinical testing. Allele origin: germline.
Comment: This sequence change creates a premature translational stop signal (p.Tyr573Metfs*7) in the CFB gene. It is expected to result in an absent or disrupted protein product. However, the current clinical and genetic evidence is not sufficient to establish whether loss-of-function variants in CFB cause disease. This variant is not present in population databases (gnomAD no frequency). This variant has not been reported in the literature in individuals affected with CFB-related conditions. ClinVar contains an entry for this variant (Variation ID: 1524497). Algorithms developed to predict the effect of sequence changes on RNA splicing suggest that this variant may disrupt the consensus splice site. In summary, the available evidence is currently insufficient to determine the role of this variant in disease. Therefore, it has been classified as a Variant of Uncertain Significance.